The following is an entry in ClinVar:

ClinVar aggregate classification (germline): Uncertain significance (1 of 4 stars; one submission).

Conditions:
Progressive myoclonic epilepsy type 7. Identifiers: Orphanet 435438, MedGen C4015420, MONDO:0014521, OMIM 616187.

Submission:

Labcorp Genetics (formerly Invitae), Labcorp
Classification: Uncertain significance for Progressive myoclonic epilepsy type 7. Last evaluated: 2025-01-13. Review status: criteria provided, single submitter. Criteria: Invitae Variant Classification Sherloc (09022015). Collection method: clinical testing. Allele origin: germline.
Comment: This sequence change replaces tyrosine, which is neutral and polar, with cysteine, which is neutral and slightly polar, at codon 236 of the KCNC1 protein (p.Tyr236Cys). This variant is not present in population databases (gnomAD no frequency). This variant has not been reported in the literature in individuals affected with KCNC1-related conditions. ClinVar contains an entry for this variant (Variation ID: 2820520). Invitae Evidence Modeling of protein sequence and biophysical properties (such as structural, functional, and spatial information, amino acid conservation, physicochemical variation, residue mobility, and thermodynamic stability) indicates that this missense variant is not expected to disrupt KCNC1 protein function with a negative predictive value of 80%. In summary, the available evidence is currently insufficient to determine the role of this variant in disease. Therefore, it has been classified as a Variant of Uncertain Significance.

NM_001112741.2(KCNC1):c.707A>G (p.Tyr236Cys)

Gene: KCNC1 (potassium voltage-gated channel subfamily C member 1; plus strand). Cytogenetic location: 11p15.1.
Variant type: single nucleotide variant.
Coding change: c.707A>G on transcript NM_001112741.2 (MANE Select); coding-DNA position 707, A replaced by G.
Protein change: p.Tyr236Cys; replaces tyrosine 236 with cysteine.
Molecular consequence: missense variant.
Genome position (GRCh38, 1-based): chr11:17,771,801, A>G. VCF-style: chr11-17771801-A-G. GRCh37 (hg19) VCF-style: chr11-17793348-A-G.
Other names: c.707A>G, p.Tyr236Cys (NM_004976.4); short protein forms Y236C.
Identifiers: ClinVar variation 2820520 (VCV002820520.3), dbSNP rs2497799422, ClinGen allele CA379805878.